The following is an entry in ClinVar:

ClinVar aggregate classification (germline): Uncertain significance. Review status: criteria provided, single submitter (1 of 4 stars). 2 submissions from 2 submitters: Uncertain significance (1). 1 of the submissions does not count toward it. Last evaluated 2025-03-08.

Conditions:
KIF26B-related disorder. Also called: KIF26B-related condition.

Allele frequency attached by ClinVar (database versions not stated): gnomAD exomes 0.00010; ExAC 0.00027; 1000 Genomes Project 0.00040; 1000 Genomes Project 30x 0.00047; ESP Exome Variant Server 0.00057; gnomAD 0.00070; TOPMed 0.00093.
gnomAD v4.1: 266 of 1,612,982 alleles (0.016%); highest among the groups gnomAD compares: African/African-American, 0.25%; no homozygotes.

Submissions (2):

Ambry Genetics
Classification: Uncertain significance. Last evaluated: 2025-03-08. Review status: criteria provided, single submitter. Criteria: Ambry Variant Classification Scheme 2023. Collection method: clinical testing. Allele origin: germline.

PreventionGenetics, part of Exact Sciences
Classification: Likely benign for KIF26B-related condition. Last evaluated: 2022-03-11. Review status: no assertion criteria provided. Collection method: clinical testing. Allele origin: germline. Not counted in ClinVar's aggregate classification.
Comment: This variant is classified as likely benign based on ACMG/AMP sequence variant interpretation guidelines (Richards et al. 2015 PMID: 25741868, with internal and published modifications).

NM_018012.4(KIF26B):c.3304G>A (p.Ala1102Thr)

Gene: KIF26B (kinesin family member 26B; plus strand). Cytogenetic location: 1q44.
Variant type: single nucleotide variant.
Coding change: c.3304G>A on transcript NM_018012.4 (MANE Select); coding-DNA position 3304, G replaced by A.
Protein change: p.Ala1102Thr; replaces alanine 1102 with threonine.
Molecular consequence: missense variant.
Genome position (GRCh38, 1-based): chr1:245,686,287, G>A. VCF-style: chr1-245686287-G-A. GRCh37 (hg19) VCF-style: chr1-245849589-G-A.
Other names: short protein forms A1102T.
Identifiers: ClinVar variation 3040199 (VCV003040199.3), dbSNP rs200109631, ClinGen allele CA1488213.